The following is an entry in ClinVar:

NM_001365951.3(KIF1B):c.5097-9C>T

Gene: KIF1B (kinesin family member 1B; plus strand). Cytogenetic location: 1p36.22.
Variant type: single nucleotide variant.
Coding change: c.5097-9C>T on transcript NM_001365951.3 (MANE Select); 9 bases into the intron before coding-DNA position 5097, C replaced by T.
Molecular consequence: intron variant.
Genome position (GRCh38, 1-based): chr1:10,374,845, C>T. VCF-style: chr1-10374845-C-T. GRCh37 (hg19) VCF-style: chr1-10434903-C-T.
Other names: c.4959-9C>T (NM_015074.3); c.5097-9C>T (NM_001365952.1).
Identifiers: ClinVar variation 695344 (VCV000695344.16), dbSNP rs376873833, ClinGen allele CA582272.

ClinVar aggregate classification (germline): Benign/Likely benign. Review status: criteria provided, multiple submitters, no conflicts (2 of 4 stars). 5 submissions from 5 submitters: Benign (1); Likely benign (4). Last evaluated 2026-01-31.

Conditions:
Charcot-Marie-Tooth disease. Also called: Charcot-Marie-Tooth Hereditary Neuropathy; Charcot-Marie-Tooth Neuropathy. Identifiers: Orphanet 166, MedGen C0007959, MONDO:0015626.
Pheochromocytoma. Also called: MAX-Related Hereditary Paraganglioma-Pheochromocytoma Syndrome. Identifiers: Orphanet 29072, MedGen C0031511, MONDO:0008233, OMIM 171300, HP:0002666.
Neuroblastoma, susceptibility to, 1. Identifiers: MedGen C2749485, MONDO:0009741, OMIM 256700.
Charcot-Marie-Tooth disease type 2A1. Also called: CHARCOT-MARIE-TOOTH DISEASE, AXONAL, AUTOSOMAL DOMINANT, TYPE 2A1; CHARCOT-MARIE-TOOTH DISEASE, NEURONAL, TYPE 2A1; CHARCOT-MARIE-TOOTH NEUROPATHY, TYPE 2A1; CHARCOT-MARIE-TOOTH DISEASE, AXONAL, TYPE 2A1; HEREDITARY MOTOR AND SENSORY NEUROPATHY IIA1. Identifiers: Orphanet 99946, MedGen C1861678, MONDO:0007308, OMIM 118210.
Charcot-Marie-Tooth disease type 2. Also called: Charcot-Marie-Tooth type 2. Identifiers: Orphanet 64746, MedGen C0270914, MONDO:0018993.

Allele frequency attached by ClinVar (database versions not stated): ExAC 0.00022; gnomAD exomes 0.00024; 1000 Genomes Project 0.00060; 1000 Genomes Project 30x 0.00062; ESP Exome Variant Server 0.00085; TOPMed 0.00094; gnomAD 0.00098 and 0.00108.
gnomAD v4.1: 294 of 1,613,322 alleles (0.018%); highest among the groups gnomAD compares: African/African-American, 0.33%; 1 homozygote.

Submissions (5):

Labcorp Genetics (formerly Invitae), Labcorp
Classification: Benign for Charcot-Marie-Tooth disease type 2. Last evaluated: 2026-01-31. Review status: criteria provided, single submitter. Criteria: Invitae Variant Classification Sherloc (09022015). Collection method: clinical testing. Allele origin: germline.

Dasa
Classification: Likely benign. Last evaluated: 2024-12-08. Review status: criteria provided, single submitter. Criteria: DASA Assertion Criteria. Collection method: clinical testing. Allele origin: germline.
Comment: NM_001365951.3(KIF1B):c.5097-9C>T is a splice-region variant. Population frequency is inconsistent with a disease-causing role for this variant. Computational prediction algorithms are consistent with a benign effect. Therefore, based on the currently available evidence, this variant is classified as likely benign.

Blueprint Genetics
Classification: Likely benign. Last evaluated: 2024-09-18. Review status: criteria provided, single submitter. Criteria: ACMG Guidelines, 2015. Collection method: clinical testing. Allele origin: germline.

Fulgent Genetics
Classification: Likely benign for Charcot-Marie-Tooth disease type 2A1; Pheochromocytoma; Neuroblastoma, susceptibility to, 1. Last evaluated: 2022-02-02. Review status: criteria provided, single submitter. Criteria: ACMG Guidelines, 2015. Collection method: clinical testing. Allele origin: unknown.

Molecular Genetics Laboratory, London Health Sciences Centre
Classification: Likely benign for Charcot-Marie-Tooth disease. Review status: criteria provided, single submitter. Criteria: ACMG Guidelines, 2015. Collection method: clinical testing. Allele origin: germline. Affected: yes.